The following is an entry in ClinVar:

NM_152296.5(ATP1A3):c.2434C>G (p.Leu812Val)

Gene: ATP1A3 (ATPase Na+/K+ transporting subunit alpha 3; minus strand). Cytogenetic location: 19q13.2.
Variant type: single nucleotide variant.
Coding change: c.2434C>G on transcript NM_152296.5 (MANE Select); coding-DNA position 2434, C replaced by G.
Protein change: p.Leu812Val; replaces leucine 812 with valine.
Molecular consequence: missense variant.
Genome position (GRCh38, 1-based): chr19:41,970,293, G>C on the plus strand (C>G on the coding strand, the complement: ATP1A3 is on the minus strand). VCF-style: chr19-41970293-G-C. GRCh37 (hg19) VCF-style: chr19-42474445-G-C.
Other names: c.2467C>G, p.Leu823Val (NM_001256213.2); c.2473C>G, p.Leu825Val (NM_001256214.2); short protein forms L823V, L825V, L812V.
Identifiers: ClinVar variation 2782985 (VCV002782985.3), dbSNP rs1392975420, ClinGen allele CA406039015.

ClinVar aggregate classification (germline): Uncertain significance (1 of 4 stars; one submission).

Conditions:
Dystonia 12 (DYT12). Also called: DYT-ATP1A3; Rapid-Onset Dystonia-Parkinsonism (RDP). Identifiers: Orphanet 71517, MedGen C1868681, MONDO:0007496, OMIM 128235.

Allele frequency attached by ClinVar (database versions not stated): TOPMed below 0.00001; gnomAD 0.00001.
gnomAD v4.1: 1 of 1,614,044 alleles (0.000062%); highest among the groups gnomAD compares: Non-Finnish European, 0.000085%; no homozygotes.

Submission:

Labcorp Genetics (formerly Invitae), Labcorp
Classification: Uncertain significance for Dystonia 12. Last evaluated: 2023-02-06. Review status: criteria provided, single submitter. Criteria: Invitae Variant Classification Sherloc (09022015). Collection method: clinical testing. Allele origin: germline.
Comment: Advanced modeling of protein sequence and biophysical properties (such as structural, functional, and spatial information, amino acid conservation, physicochemical variation, residue mobility, and thermodynamic stability) performed at Invitae indicates that this missense variant is expected to disrupt ATP1A3 protein function. This missense change has been observed in individual(s) with epileptic encephalopathy with cerebellar atrophy (Invitae). This variant is not present in population databases (gnomAD no frequency). This sequence change replaces leucine, which is neutral and non-polar, with valine, which is neutral and non-polar, at codon 812 of the ATP1A3 protein (p.Leu812Val). In summary, the available evidence is currently insufficient to determine the role of this variant in disease. Therefore, it has been classified as a Variant of Uncertain Significance.